The following is an entry in ClinVar:

ClinVar aggregate classification (germline): Pathogenic (1 of 4 stars; one submission).

Conditions:
Hypercalcemia, infantile, 2 (HCINF2). Identifiers: Orphanet 300547, MedGen C4310473, MONDO:0014851, OMIM 616963.

Submission:

Victorian Clinical Genetics Services, Murdoch Childrens Research Institute
Classification: Pathogenic for Hypercalcemia, infantile, 2. Last evaluated: 2023-07-17. Review status: criteria provided, single submitter. Criteria: ACMG Guidelines, 2015. Collection method: clinical testing. Allele origin: germline. Inheritance: Autosomal recessive inheritance. Affected: yes.
Comment: Based on the classification scheme VCGS_Germline_v1.3.4, this variant is classified as Pathogenic. Following criteria are met: 0102 - Loss of function is a known mechanism of disease in this gene and is associated with infantile hypercalcemia, 2 (MIM#616963) and nephrolithiasis/osteoporosis, hypophosphatemic, 1 (MIM#612286). (I) 0108 - This gene is associated with both recessive and dominant disease. There is no established genotype-phenotype correlation; however, NMD-predicted variants have currently only been reported for recessive disease. (I) 0201 - Variant is predicted to cause nonsense-mediated decay (NMD) and loss of protein (premature termination codon is located at least 54 nucleotides upstream of the final exon-exon junction). (SP) 0251 - This variant is heterozygous. (I) 0301 - Variant is absent from gnomAD (both v2 and v3). (SP) 0701 - Other NMD predicted variants comparable to the one identified in this case have very strong previous evidence for pathogenicity (DECIPHER). These variants have been reported as pathogenic many times, and are associated with recessive disease. (SP) 0807 - This variant has no previous evidence of pathogenicity. (I) 0905 - No published segregation evidence has been identified for this variant. (I) 1007 - No published functional evidence has been identified for this variant. (I) 1208 - Inheritance information for this variant is not currently available in this individual. (I) Legend: (SP) - Supporting pathogenic, (I) - Information, (SB) - Supporting benign

NM_003052.5(SLC34A1):c.1188del (p.Phe397fs)

Gene: SLC34A1 (solute carrier family 34 member 1; plus strand). Cytogenetic location: 5q35.3.
Variant type: Deletion.
Coding change: c.1188del on transcript NM_003052.5 (MANE Select); coding-DNA position 1188, one base deleted (C; older notation c.1188delC).
Protein change: p.Phe397fs; shifts the reading frame from phenylalanine 397.
Molecular consequence: frameshift variant.
Genome position (GRCh38, 1-based): chr5:177,396,746, C deleted; the last of 5 consecutive C bases (chr5:177,396,742-177,396,746); deleting any one gives the same sequence. VCF-style (leftmost placement, unchanged base first): chr5-177396741-GC-G. GRCh37 (hg19) VCF-style: chr5-176823742-GC-G.
Other names: short protein forms F397fs.
Identifiers: ClinVar variation 3376790 (VCV003376790.1).
Genomic context (GRCh38, chr5:177,396,741, plus strand): 5'-TCCCAATGTCCCCGCTCTGACCCCAGCCTGCTGGGATGCGGTTTCCTTGCAGACTTCCCT[GC>G]CCCCTTCACCTGGGTCACAGGCTACTTTGCCATGGTGGTGGGCGCCAGCATGACCTTCGT-3'